The following is an entry in ClinVar:

NM_005908.4(MANBA):c.1454_1455del (p.Tyr485fs)

Gene: MANBA (mannosidase beta; minus strand). Cytogenetic location: 4q24.
Variant type: Deletion.
Coding change: c.1454_1455del on transcript NM_005908.4 (MANE Select); coding-DNA positions 1454 to 1455, 2 bases deleted (AT; older notation c.1454_1455delAT).
Protein change: p.Tyr485fs; shifts the reading frame from tyrosine 485.
Molecular consequence: frameshift variant.
Genome position (GRCh38, 1-based): chr4:102,664,715-102,664,716, AT deleted on the plus strand (AT on the coding strand, the reverse complement: MANBA is on the minus strand); deleting any 2 consecutive bases within chr4:102,664,715-102,664,717 gives the same sequence; the c. name uses the placement nearest the transcript's 3' end. VCF-style (leftmost placement, unchanged base first): chr4-102664714-CAT-C. GRCh37 (hg19) VCF-style: chr4-103585871-CAT-C.
Other names: short protein forms Y485fs.
Identifiers: ClinVar variation 1683 (VCV000001683.8), dbSNP rs1188116333, ClinGen allele CA553574006.

ClinVar aggregate classification (germline): Pathogenic. Review status: criteria provided, multiple submitters, no conflicts (2 of 4 stars). 4 submissions from 4 submitters: Pathogenic (3). 1 of the submissions does not count toward it. Last evaluated 2023-12-18.

Conditions:
MANBA-related disorder. Also called: MANBA-related condition.
Beta-D-mannosidosis (MANSB). Also called: Beta-Mannosidosis; MANNOSIDOSIS, BETA A, LYSOSOMAL; BETA-MANNOSIDASE DEFICIENCY; LYSOSOMAL BETA-MANNOSIDASE DEFICIENCY. Identifiers: Orphanet 118, MedGen C4048196, MONDO:0009562, OMIM 248510.

Submissions (4):

Labcorp Genetics (formerly Invitae), Labcorp
Classification: Pathogenic for Beta-D-mannosidosis. Last evaluated: 2023-12-18. Review status: criteria provided, single submitter. Criteria: Invitae Variant Classification Sherloc (09022015). Collection method: clinical testing. Allele origin: germline.
Comment: This sequence change creates a premature translational stop signal (p.Tyr485Cysfs*27) in the MANBA gene. It is expected to result in an absent or disrupted protein product. Loss-of-function variants in MANBA are known to be pathogenic (PMID: 9384606, 12468273). This variant is present in population databases (no rsID available, gnomAD 0.003%). This premature translational stop signal has been observed in individual(s) with beta-mannosidosis (PMID: 12468273). This variant is also known as 1541delAT. ClinVar contains an entry for this variant (Variation ID: 1683). For these reasons, this variant has been classified as Pathogenic.

Blueprint Genetics
Classification: Pathogenic for MANBA-related disorders. Last evaluated: 2022-02-25. Review status: criteria provided, single submitter. Criteria: ACMG Guidelines, 2015. Collection method: clinical testing. Allele origin: germline. Affected: yes. Observed: 3 variant alleles.

Women's Health and Genetics/Laboratory Corporation of America, LabCorp
Classification: Pathogenic for Beta-D-mannosidosis. Last evaluated: 2021-02-13. Review status: criteria provided, single submitter. Criteria: LabCorp Variant Classification Summary - May 2015. Collection method: clinical testing. Allele origin: germline.
Comment: Variant summary: MANBA c.1454_1455delAT (p.Tyr485CysfsX27) results in a premature termination codon, predicted to cause a truncation of the encoded protein or absence of the protein due to nonsense mediated decay, which are commonly known mechanisms for disease. The variant allele was found at a frequency of 1.2e-05 in 251448 control chromosomes. c.1454_1455delAT has been reported in the literature in individuals affected with Beta-Mannosidosis and has been subsequently cited by others (example, Bedilu_2002, Huynh_2011, Molho-Pessach_2007, Sabourdy_2009, Riise Stensland_2008). At least one publication reports experimental evidence evaluating an impact on protein function. The most pronounced variant effect results in <10% of normal activity in leukocytes and fibroblasts (Bedilu_2002). One clinical diagnostic laboratory has submitted clinical-significance assessments for this variant to ClinVar after 2014 and classified the variant as pathogenic citing one overlapping publication utilized in the context of this evaluation. Based on the evidence outlined above, the variant was classified as pathogenic.

OMIM
Classification: Pathogenic for BETA-MANNOSIDOSIS. Last evaluated: 2002-12-01. Review status: no assertion criteria provided. Collection method: literature only. Allele origin: germline. Not counted in ClinVar's aggregate classification.

Literature cited by the submitters: PubMed 9384606 (cited by Labcorp Genetics (formerly Invitae), Labcorp); PubMed 12468273 (cited by 3 submitters); PubMed 18565776 (cited by Women's Health and Genetics/Laboratory Corporation of America, LabCorp); PubMed 17420068 (cited by Women's Health and Genetics/Laboratory Corporation of America, LabCorp); PubMed 22369051 (cited by Women's Health and Genetics/Laboratory Corporation of America, LabCorp); PubMed 19728872 (cited by Women's Health and Genetics/Laboratory Corporation of America, LabCorp); PubMed 1499588 (cited by OMIM).